The following is an entry in ClinVar:

ClinVar aggregate classification (germline): Conflicting classifications of pathogenicity. Review status: criteria provided, conflicting classifications (1 of 4 stars). 3 submissions from 3 submitters: Uncertain significance (1); Likely benign (2). Last evaluated 2025-02-04.

Conditions:
Brugada syndrome 8 (BRGDA8). Identifiers: Orphanet 130, MedGen C2751083, MONDO:0013148, OMIM 613123.

Submissions (3):

GeneDx
Classification: Uncertain significance. Last evaluated: 2025-02-04. Review status: criteria provided, single submitter. Criteria: GeneDx Variant Classification Process June 2021. Collection method: clinical testing. Allele origin: germline. Affected: yes.
Comment: Not observed at significant frequency in large population cohorts (gnomAD); In silico analysis indicates that this variant does not alter splicing; Has not been previously published as pathogenic or benign to our knowledge

Labcorp Genetics (formerly Invitae), Labcorp
Classification: Likely benign for Brugada syndrome 8. Last evaluated: 2024-10-13. Review status: criteria provided, single submitter. Criteria: Invitae Variant Classification Sherloc (09022015). Collection method: clinical testing. Allele origin: germline.

Blueprint Genetics
Classification: Likely benign. Last evaluated: 2021-04-06. Review status: criteria provided, single submitter. Criteria: ACMG Guidelines, 2015. Collection method: clinical testing. Allele origin: germline.

NM_005477.3(HCN4):c.1548C>T (p.Leu516=)

Gene: HCN4 (hyperpolarization activated cyclic nucleotide gated potassium channel 4; minus strand). Cytogenetic location: 15q24.1.
Variant type: single nucleotide variant.
Coding change: c.1548C>T on transcript NM_005477.3 (MANE Select); coding-DNA position 1548, C replaced by T.
Protein change: p.Leu516=; no amino-acid change (leucine 516 retained).
Molecular consequence: synonymous variant.
Genome position (GRCh38, 1-based): chr15:73,329,615, G>A on the plus strand (C>T on the coding strand, the complement: HCN4 is on the minus strand). VCF-style: chr15-73329615-G-A. GRCh37 (hg19) VCF-style: chr15-73621956-G-A.
Identifiers: ClinVar variation 412792 (VCV000412792.12), dbSNP rs1060503838, ClinGen allele CA16614561.